The following is an entry in ClinVar:

ClinVar aggregate classification (germline): Uncertain significance. Review status: criteria provided, multiple submitters, no conflicts (2 of 4 stars). 3 submissions from 3 submitters: Uncertain significance (3). Last evaluated 2024-04-22.

Conditions:
Ataxia-telangiectasia syndrome (AT). Also called: ATAXIA-TELANGIECTASIA, COMPLEMENTATION GROUP A; ATAXIA-TELANGIECTASIA, FRESNO VARIANT; Ataxia-telangiectasia, complementation group E; Ataxia telangiectasia (A-T); LOUIS-BAR SYNDROME; Cerebello-oculocutaneous telangiectasia. Identifiers: Orphanet 100, MedGen C0004135, MONDO:0008840, OMIM 208900.
Hereditary cancer-predisposing syndrome. Also called: Neoplastic Syndromes, Hereditary; Hereditary Cancer Syndrome; Hereditary neoplastic syndrome; Tumor predisposition. Identifiers: Orphanet 140162, MedGen C0027672, MeSH D009386, MONDO:0015356.

Allele frequency attached by ClinVar (database versions not stated): gnomAD 0.00001.
gnomAD v4.1: 1 of 1,613,634 alleles (0.000062%); highest among the groups gnomAD compares: East Asian, 0.0022%; no homozygotes.

Submissions (3):

Ambry Genetics
Classification: Uncertain significance for Hereditary cancer-predisposing syndrome. Last evaluated: 2024-04-22. Review status: criteria provided, single submitter. Criteria: Ambry Variant Classification Scheme 2023. Collection method: clinical testing. Allele origin: germline.
Comment: The p.T1609R variant (also known as c.4826C>G), located in coding exon 31 of the ATM gene, results from a C to G substitution at nucleotide position 4826. The threonine at codon 1609 is replaced by arginine, an amino acid with similar properties. This amino acid position is well conserved in available vertebrate species. In addition, the in silico prediction for this alteration is inconclusive. Since supporting evidence is limited at this time, the clinical significance of this alteration remains unclear.

Labcorp Genetics (formerly Invitae), Labcorp
Classification: Uncertain significance for Ataxia-telangiectasia syndrome. Last evaluated: 2023-11-21. Review status: criteria provided, single submitter. Criteria: Invitae Variant Classification Sherloc (09022015). Collection method: clinical testing. Allele origin: germline.
Comment: This sequence change replaces threonine, which is neutral and polar, with arginine, which is basic and polar, at codon 1609 of the ATM protein (p.Thr1609Arg). This variant is present in population databases (no rsID available, gnomAD 0.06%). This variant has not been reported in the literature in individuals affected with ATM-related conditions. ClinVar contains an entry for this variant (Variation ID: 825210). An algorithm developed to predict the effect of missense changes on protein structure and function (PolyPhen-2) suggests that this variant is likely to be tolerated. In summary, the available evidence is currently insufficient to determine the role of this variant in disease. Therefore, it has been classified as a Variant of Uncertain Significance.

Sema4
Classification: Uncertain significance for Hereditary cancer-predisposing syndrome. Last evaluated: 2021-11-18. Review status: criteria provided, single submitter. Criteria: Sema4 Curation Guidelines. Collection method: curation. Allele origin: germline.
Comment: The ATM c.4826C>G (p.T1609R) variant has not been reported in literature to our knowledge. It was observed in 1/1556 chromosomes of the East Asian subpopulation in the large and broad cohorts of the Genome Aggregation Database (PMID: 32461654). This variant has been reported in ClinVar (Variation ID: 825210). Functional studies have not been performed, and in silico predictions of the variant's effect on protein function are inconclusive. The overall evidence is insufficient to meet ACMG/AMP criteria for classifying it as benign or pathogenic. Thus, the clinical significance of this variant is currently uncertain.

NM_000051.4(ATM):c.4826C>G (p.Thr1609Arg)

Gene: ATM (ATM serine/threonine kinase; plus strand). Cytogenetic location: 11q22.3.
Variant type: single nucleotide variant.
Coding change: c.4826C>G on transcript NM_000051.4 (MANE Select); coding-DNA position 4826, C replaced by G.
Protein change: p.Thr1609Arg; replaces threonine 1609 with arginine.
Molecular consequence: missense variant.
Genome position (GRCh38, 1-based): chr11:108,294,976, C>G. VCF-style: chr11-108294976-C-G. GRCh37 (hg19) VCF-style: chr11-108165703-C-G.
Other names: c.4826C>G, p.Thr1609Arg (NM_001351834.2); short protein forms T1609R.
Identifiers: ClinVar variation 825210 (VCV000825210.9), dbSNP rs1316363133, ClinGen allele CA382536750.